The following is an entry in ClinVar:

ClinVar aggregate classification (germline): Likely pathogenic. Review status: criteria provided, single submitter (1 of 4 stars). 2 submissions from 2 submitters: Likely pathogenic (1). 1 of the submissions does not count toward it. Last evaluated 2024-01-04.

Conditions:
Spongy degeneration of central nervous system. Also called: Canavan disease; Von Bogaert-Bertrand disease; ACY2 DEFICIENCY; AMINOACYLASE 2 DEFICIENCY; ASP DEFICIENCY; ASPA DEFICIENCY. Identifiers: Orphanet 141, MedGen C0206307, MONDO:0010079, OMIM 271900.

Allele frequency attached by ClinVar (database versions not stated): TOPMed below 0.00001.

Submissions (2):

Labcorp Genetics (formerly Invitae), Labcorp
Classification: Likely pathogenic for Spongy degeneration of central nervous system. Last evaluated: 2024-01-04. Review status: criteria provided, single submitter. Criteria: Invitae Variant Classification Sherloc (09022015). Collection method: clinical testing. Allele origin: germline.
Comment: This sequence change replaces proline, which is neutral and non-polar, with leucine, which is neutral and non-polar, at codon 181 of the ASPA protein (p.Pro181Leu). This variant is not present in population databases (gnomAD no frequency). This missense change has been observed in individual(s) with Canavan disease (PMID: 16854607). ClinVar contains an entry for this variant (Variation ID: 554478). Advanced modeling of protein sequence and biophysical properties (such as structural, functional, and spatial information, amino acid conservation, physicochemical variation, residue mobility, and thermodynamic stability) performed at Invitae indicates that this missense variant is expected to disrupt ASPA protein function with a positive predictive value of 95%. This variant disrupts the p.Pro181 amino acid residue in ASPA. Other variant(s) that disrupt this residue have been determined to be pathogenic (PMID: 10909858, 12638939, 16854607, 22750302, 22850825). This suggests that this residue is clinically significant, and that variants that disrupt this residue are likely to be disease-causing. In summary, the currently available evidence indicates that the variant is pathogenic, but additional data are needed to prove that conclusively. Therefore, this variant has been classified as Likely Pathogenic.

Counsyl
Classification: Uncertain significance for Spongy degeneration of central nervous system. Last evaluated: 2017-10-19. Review status: no assertion criteria provided. Collection method: clinical testing. Allele origin: unknown. Not counted in ClinVar's aggregate classification.

Literature cited by the submitters: PubMed 16854607 (cited by Labcorp Genetics (formerly Invitae), Labcorp and Counsyl); PubMed 10909858 (cited by Labcorp Genetics (formerly Invitae), Labcorp); PubMed 12638939 (cited by Labcorp Genetics (formerly Invitae), Labcorp); PubMed 22750302 (cited by Labcorp Genetics (formerly Invitae), Labcorp); PubMed 22850825 (cited by Labcorp Genetics (formerly Invitae), Labcorp).

NM_000049.4(ASPA):c.542C>T (p.Pro181Leu)

Genes: ASPA (aspartoacylase; plus strand), SPATA22 (spermatogenesis associated 22; minus strand). Cytogenetic location: 17p13.2.
Variant type: single nucleotide variant.
Coding change: c.542C>T on transcript NM_000049.4 (MANE Select); coding-DNA position 542, C replaced by T.
Protein change: p.Pro181Leu; replaces proline 181 with leucine.
Molecular consequence: missense variant. On other transcripts: intron variant (2).
Genome position (GRCh38, 1-based): chr17:3,489,250, C>T. VCF-style: chr17-3489250-C-T. GRCh37 (hg19) VCF-style: chr17-3392544-C-T.
Other names: c.542C>T, p.Pro181Leu (NM_001128085.1); c.-73-19852G>A (NM_001321336.2, NM_001321337.2); short protein forms P181L.
Identifiers: ClinVar variation 554478 (VCV000554478.10), dbSNP rs1335267315, ClinGen allele CA397684466.